The following is an entry in ClinVar:

ClinVar aggregate classification (germline): Uncertain significance (1 of 4 stars; one submission).

Conditions:
Alkuraya-Kucinskas syndrome. Identifiers: Orphanet 610569, MedGen C4693347, MONDO:0060631, OMIM 617822.

gnomAD v4.1: 7 of 1,613,234 alleles (0.00043%); highest among the groups gnomAD compares: East Asian, 0.0022%; no homozygotes.

Submission:

OLLIN Analises Genomicas, OLLIN
Classification: Uncertain significance for Alkuraya-Kucinskas syndrome. Last evaluated: 2026-08-06. Review status: criteria provided, single submitter. Criteria: ACMG Guidelines 2015 PMID 25741868. Collection method: clinical testing. Allele origin: germline.
Comment: This missense variant, located in exon 48 (of 88), has been observed in gnomAD with an allele frequency of 0.00043%, but has not been reported in ClinVar or identified in the literature. In silico analysis is inconclusive regarding the impact of this variant. This gene is constrained for missense variation. According to the currently available evidence, this variant has been classified as uncertain significance (PM2_P, PP2).

NM_001384125.1(BLTP1):c.8287C>T (p.Arg2763Cys)

Gene: BLTP1 (bridge-like lipid transfer protein family member 1; plus strand). Cytogenetic location: 4q27.
Variant type: single nucleotide variant.
Coding change: c.8287C>T on transcript NM_001384125.1 (MANE Select); coding-DNA position 8287, C replaced by T.
Protein change: p.Arg2763Cys; replaces arginine 2763 with cysteine.
Molecular consequence: missense variant.
Genome position (GRCh38, 1-based): chr4:122,272,246, C>T. VCF-style: chr4-122272246-C-T. GRCh37 (hg19) VCF-style: chr4-123193401-C-T.
Other names: c.8287C>T, p.Arg2763Cys (NM_015312.4); short protein forms R2763C.
Identifiers: ClinVar variation 5002727 (VCV005002727.1).
Genomic context (GRCh38, chr4:122,272,246, plus strand): 5'-TGTAAAGTTGTGTTTGAGAATGAACAAGACAACAGCAGTTTGACTAAGACTCAGAGGAAA[C>T]GTAGCTTGGTAACTTCTGAACCTCAGCATGTTACTCTAATAGTGTTTGGGATTGGCATGG-3'
Protein context (NP_001371054.1, residues 2753-2773): NSSLTKTQRK[Arg2763Cys]SLVTSEPQHV